The following is an entry in ClinVar:

NM_000702.4(ATP1A2):c.664C>T (p.Pro222Ser)

Genes: ATP1A2 (ATPase Na+/K+ transporting subunit alpha 2; plus strand), LOC126805890 (CDK7 strongly-dependent group 2 enhancer GRCh37_chr1:160093987-160095186; plus strand). Cytogenetic location: 1q23.2.
Variant type: single nucleotide variant.
Coding change: c.664C>T on transcript NM_000702.4 (MANE Select); coding-DNA position 664, C replaced by T.
Protein change: p.Pro222Ser; replaces proline 222 with serine.
Molecular consequence: missense variant.
Genome position (GRCh38, 1-based): chr1:160,125,169, C>T. VCF-style: chr1-160125169-C-T. GRCh37 (hg19) VCF-style: chr1-160094959-C-T.
Other names: short protein forms P222S.
Identifiers: ClinVar variation 646924 (VCV000646924.9), dbSNP rs1570986069, ClinGen allele CA343235235.
Genomic context (GRCh38, chr1:160,125,169, plus strand): 5'-GATGACTATGCACTCCTTCCTCCTCAGGTGGATAACTCATCCTTAACAGGAGAGTCGGAG[C>T]CCCAGACCCGCTCCCCCGAGTTCACCCATGAGAACCCCCTGGAGACCCGCAATATCTGTT-3'
Protein context (NP_000693.1, residues 212-232): DNSSLTGESE[Pro222Ser]QTRSPEFTHE

ClinVar aggregate classification (germline): Uncertain significance (1 of 4 stars; one submission).

Conditions:
Familial hemiplegic migraine. Identifiers: MedGen C0338484, MONDO:0000700.

Submission:

Labcorp Genetics (formerly Invitae), Labcorp
Classification: Uncertain significance for Familial hemiplegic migraine. Last evaluated: 2018-11-24. Review status: criteria provided, single submitter. Criteria: Invitae Variant Classification Sherloc (09022015). Collection method: clinical testing. Allele origin: germline.
Comment: This sequence change replaces proline with serine at codon 222 of the ATP1A2 protein (p.Pro222Ser). The proline residue is highly conserved and there is a moderate physicochemical difference between proline and serine. This variant is not present in population databases (ExAC no frequency). This variant has not been reported in the literature in individuals with ATP1A2-related conditions. Algorithms developed to predict the effect of missense changes on protein structure and function (SIFT, PolyPhen-2, Align-GVGD) all suggest that this variant is likely to be disruptive, but these predictions have not been confirmed by published functional studies and their clinical significance is uncertain. In summary, the available evidence is currently insufficient to determine the role of this variant in disease. Therefore, it has been classified as a Variant of Uncertain Significance.